The following is an entry in ClinVar:

ClinVar aggregate classification (germline): Benign/Likely benign. Review status: criteria provided, multiple submitters, no conflicts (2 of 4 stars). 8 submissions from 8 submitters: Benign (4); Likely benign (2). 2 of the submissions do not count toward it. Last evaluated 2026-02-03.

Conditions:
Niemann-Pick disease, type C1. Also called: NIEMANN-PICK DISEASE, VARIANT TYPE C1; NEUROVISCERAL STORAGE DISEASE WITH VERTICAL SUPRANUCLEAR OPHTHALMOPLEGIA; NIEMANN-PICK DISEASE WITH CHOLESTEROL ESTERIFICATION BLOCK; NIEMANN-PICK DISEASE WITHOUT SPHINGOMYELINASE DEFICIENCY; NIEMANN-PICK DISEASE, CHRONIC NEURONOPATHIC FORM. Identifiers: Orphanet 646, MedGen C3179455, MONDO:0009757, OMIM 257220.

Allele frequency attached by ClinVar (database versions not stated): gnomAD 0.01205 and 0.01305; 1000 Genomes Project 30x 0.01312; gnomAD exomes 0.00329 and 0.00116; TOPMed 0.01346; ExAC 0.00387; 1000 Genomes Project 0.01138; ESP Exome Variant Server 0.01453.
gnomAD v4.1: 3,564 of 1,614,096 alleles (0.22%); highest among the groups gnomAD compares: African/African-American, 4.4%; 69 homozygotes.

Submissions (8):

Labcorp Genetics (formerly Invitae), Labcorp
Classification: Benign for Niemann-Pick disease, type C1. Last evaluated: 2026-02-03. Review status: criteria provided, single submitter. Criteria: Invitae Variant Classification Sherloc (09022015). Collection method: clinical testing. Allele origin: germline.

Mayo Clinic Laboratories, Mayo Clinic
Classification: Benign. Last evaluated: 2021-10-25. Review status: criteria provided, single submitter. Criteria: ACMG Guidelines, 2015. Collection method: clinical testing. Allele origin: germline. Observed: 8 variant alleles.
Comment: BA1

GeneDx
Classification: Benign. Last evaluated: 2018-08-07. Review status: criteria provided, single submitter. Criteria: GeneDx Variant Classification Process June 2021. Collection method: clinical testing. Allele origin: germline. Affected: yes.
Comment: This variant is associated with the following publications: (PMID: 12955717)

Illumina Laboratory Services, Illumina
Classification: Likely benign for Niemann-Pick disease type C1. Last evaluated: 2017-04-27. Review status: criteria provided, single submitter. Criteria: ICSL Variant Classification Criteria 13 December 2019. Collection method: clinical testing. Allele origin: germline.
Comment: This variant was observed as part of a predisposition screen in an ostensibly healthy population. A literature search was performed for the gene, cDNA change, and amino acid change (where applicable). Publications were found based on this search. The evidence from the literature, in combination with allele frequency data from public databases where available, was sufficient to determine this variant is unlikely to cause disease. Therefore, this variant is classified as likely benign.

Eurofins Ntd Llc (ga)
Classification: Benign. Last evaluated: 2013-04-29. Review status: criteria provided, single submitter. Criteria: EGL Classification Definitions 2015. Collection method: clinical testing. Allele origin: germline. Observed: 1 variant allele, 1 heterozygote.

Breakthrough Genomics
Classification: Likely benign. Review status: criteria provided, single submitter. Criteria: ACMG Guidelines, 2015. Collection method: not provided. Allele origin: germline. Inheritance: Autosomal recessive inheritance. Affected: yes.

Clinical Genetics, Academic Medical Center
Classification: Benign. Review status: no assertion criteria provided. Collection method: clinical testing. Allele origin: germline. Affected: yes. Study: VKGL Data-share Consensus. Not counted in ClinVar's aggregate classification.

Genome Diagnostics Laboratory, Amsterdam University Medical Center
Classification: Benign. Review status: no assertion criteria provided. Collection method: clinical testing. Allele origin: germline. Affected: yes. Study: VKGL Data-share Consensus. Not counted in ClinVar's aggregate classification.

Literature cited by the submitters: PubMed 12955717 (cited by Illumina Laboratory Services, Illumina).

NM_000271.5(NPC1):c.1300C>T (p.Pro434Ser)

Gene: NPC1 (NPC intracellular cholesterol transporter 1; minus strand). Cytogenetic location: 18q11.2.
Variant type: single nucleotide variant.
Coding change: c.1300C>T on transcript NM_000271.5 (MANE Select); coding-DNA position 1300, C replaced by T.
Protein change: p.Pro434Ser; replaces proline 434 with serine.
Molecular consequence: missense variant.
Genome position (GRCh38, 1-based): chr18:23,556,269, G>A on the plus strand (C>T on the coding strand, the complement: NPC1 is on the minus strand). VCF-style: chr18-23556269-G-A. GRCh37 (hg19) VCF-style: chr18-21136233-G-A.
Other names: short protein forms P434S.
Identifiers: ClinVar variation 92700 (VCV000092700.23), dbSNP rs61731962, ClinGen allele CA145949.